The following is an entry in ClinVar:

NM_177438.3(DICER1):c.915C>G (p.Asp305Glu)

Gene: DICER1 (dicer 1, ribonuclease III; minus strand). Cytogenetic location: 14q32.13.
Variant type: single nucleotide variant.
Coding change: c.915C>G on transcript NM_177438.3 (MANE Select); coding-DNA position 915, C replaced by G.
Protein change: p.Asp305Glu; replaces aspartic acid 305 with glutamic acid.
Molecular consequence: missense variant.
Genome position (GRCh38, 1-based): chr14:95,124,657, G>C on the plus strand (C>G on the coding strand, the complement: DICER1 is on the minus strand). VCF-style: chr14-95124657-G-C. GRCh37 (hg19) VCF-style: chr14-95590994-G-C.
Other names: c.915C>G, p.Asp305Glu (NM_001195573.1, NM_001271282.3, NM_001291628.2 and 1 more transcripts); short protein forms D305E.
Identifiers: ClinVar variation 1015322 (VCV001015322.8), dbSNP rs886050944, ClinGen allele CA390887378.

ClinVar aggregate classification (germline): Uncertain significance (1 of 4 stars; one submission).

Conditions:
DICER1-related tumor predisposition. Also called: DICER1-related pleuropulmonary blastoma cancer predisposition syndrome; DICER1 syndrome. Identifiers: Orphanet 284343, MedGen C3839822, MONDO:0100216.

Submission:

Labcorp Genetics (formerly Invitae), Labcorp
Classification: Uncertain significance for DICER1-related tumor predisposition. Last evaluated: 2025-03-19. Review status: criteria provided, single submitter. Criteria: Invitae Variant Classification Sherloc (09022015). Collection method: clinical testing. Allele origin: germline.
Comment: This sequence change replaces aspartic acid, which is acidic and polar, with glutamic acid, which is acidic and polar, at codon 305 of the DICER1 protein (p.Asp305Glu). This variant is not present in population databases (gnomAD no frequency). This variant has not been reported in the literature in individuals affected with DICER1-related conditions. ClinVar contains an entry for this variant (Variation ID: 1015322). Invitae Evidence Modeling of protein sequence and biophysical properties (such as structural, functional, and spatial information, amino acid conservation, physicochemical variation, residue mobility, and thermodynamic stability) indicates that this missense variant is not expected to disrupt DICER1 protein function with a negative predictive value of 95%. In summary, the available evidence is currently insufficient to determine the role of this variant in disease. Therefore, it has been classified as a Variant of Uncertain Significance.